The following is an entry in ClinVar:

NM_020401.4(NUP107):c.188-3T>C

Gene: NUP107 (nucleoporin 107; plus strand). Cytogenetic location: 12q15.
Variant type: single nucleotide variant.
Coding change: c.188-3T>C on transcript NM_020401.4 (MANE Select); 3 bases into the intron before coding-DNA position 188, T replaced by C.
Molecular consequence: intron variant. On other transcripts: missense variant (1).
Genome position (GRCh38, 1-based): chr12:68,690,628, T>C. VCF-style: chr12-68690628-T-C. GRCh37 (hg19) VCF-style: chr12-69084408-T-C.
Other names: c.98T>C, p.Ile33Thr (NM_001330192.2); short protein forms I33T.
Identifiers: ClinVar variation 3922640 (VCV003922640.1).

ClinVar aggregate classification (germline): Uncertain significance (1 of 4 stars; one submission).

Conditions:
Inborn genetic diseases. Identifiers: MedGen C0950123, MeSH D030342.

Submission:

Ambry Genetics
Classification: Uncertain significance for Inborn genetic diseases. Last evaluated: 2025-03-31. Review status: criteria provided, single submitter. Criteria: Ambry Variant Classification Scheme 2023. Collection method: clinical testing. Allele origin: germline.
Comment: The c.188-3T>C intronic alteration consists of a T to C substitution 3 nucleotides before coding exon 4 in the NUP107 gene. Based on insufficient or conflicting evidence, the clinical significance of this alteration remains unclear.